The following is an entry in ClinVar:

ClinVar aggregate classification (germline): Uncertain significance. Review status: criteria provided, multiple submitters, no conflicts (2 of 4 stars). 2 submissions from 2 submitters: Uncertain significance (2). Last evaluated 2022-03-31.

Conditions:
Inborn genetic diseases. Identifiers: MedGen C0950123, MeSH D030342.

Submissions (2):

Women's Health and Genetics/Laboratory Corporation of America, LabCorp
Classification: Uncertain significance. Last evaluated: 2022-03-31. Review status: criteria provided, single submitter. Criteria: LabCorp Variant Classification Summary - May 2015. Collection method: clinical testing. Allele origin: germline.
Comment: Variant summary: DYNC1H1 c.4140T>G (p.Tyr1380X) results in a premature termination codon, predicted to cause a truncation of the encoded protein or absence of the protein due to nonsense mediated decay. However, loss-of-function is not currently an established mechanism of disease for this gene. The variant was absent in 251494 control chromosomes (gnomAD). The available data on variant occurrences in the general population are insufficient to allow any conclusion about variant significance. To our knowledge, no occurrence of c.4140T>G in individuals affected with DYNC1H1-Related Disorders and no experimental evidence demonstrating its impact on protein function have been reported. One clinical diagnostic laboratory has submitted clinical-significance assessments for this variant to ClinVar after 2014 and classified the variant as uncertain significance. Based on the evidence outlined above, the variant was classified as uncertain significance.

Ambry Genetics
Classification: Uncertain significance for Inborn genetic diseases. Last evaluated: 2017-05-31. Review status: criteria provided, single submitter. Criteria: Ambry Variant Classification Scheme 2023. Collection method: clinical testing. Allele origin: germline.
Comment: The p.Y1380* variant (also known as c.4140T>G), located in coding exon 19 of the DYNC1H1 gene, results from a T to G substitution at nucleotide position 4140. This changes the amino acid from a tyrosine to a stop codon within coding exon 19. This alteration is expected to result in loss of function by premature protein truncation or nonsense-mediated mRNA decay. However, loss of function of DYNC1H1 has not been clearly established as a mechanism of disease. Since supporting evidence is limited at this time, the clinical significance of this alteration remains unclear.

NM_001376.5(DYNC1H1):c.4140T>G (p.Tyr1380Ter)

Gene: DYNC1H1 (dynein cytoplasmic 1 heavy chain 1; plus strand). Cytogenetic location: 14q32.31.
Variant type: single nucleotide variant.
Coding change: c.4140T>G on transcript NM_001376.5 (MANE Select); coding-DNA position 4140, T replaced by G.
Protein change: p.Tyr1380Ter; replaces tyrosine 1380 with a stop codon.
Molecular consequence: nonsense.
Genome position (GRCh38, 1-based): chr14:102,001,019, T>G. VCF-style: chr14-102001019-T-G. GRCh37 (hg19) VCF-style: chr14-102467356-T-G.
Other names: short protein forms Y1380*.
Identifiers: ClinVar variation 589235 (VCV000589235.7), dbSNP rs1567006190, ClinGen allele CA391039758.